The following is an entry in ClinVar:

ClinVar aggregate classification (germline): Benign/Likely benign. Review status: criteria provided, multiple submitters, no conflicts (2 of 4 stars). 5 submissions from 5 submitters: Benign (1); Likely benign (3). 1 of the submissions does not count toward it. Last evaluated 2026-05-20.

Conditions:
NF1-related disorder. Also called: NF1-related condition. Identifiers: MedGen CN379171.
Hereditary cancer-predisposing syndrome. Also called: Tumor predisposition; Hereditary neoplastic syndrome; Neoplastic Syndromes, Hereditary; Hereditary Cancer Syndrome. Identifiers: Orphanet 140162, MedGen C0027672, MeSH D009386, MONDO:0015356.
Neurofibromatosis, type 1 (NF1). Also called: Neurofibromatosis, type I; NEUROFIBROMATOSIS, TYPE I, SOMATIC; VON RECKLINGHAUSEN DISEASE; Peripheral type neurofibromatosis. Identifiers: Orphanet 636, MedGen C0027831, MONDO:0018975, OMIM 162200. Disease mechanism: loss of function.

Allele frequency attached by ClinVar (database versions not stated): TOPMed below 0.00001; gnomAD 0.00001; gnomAD exomes below 0.00001.
gnomAD v4.1: 6 of 1,613,882 alleles (0.00037%); highest among the groups gnomAD compares: African/African-American, 0.004%; no homozygotes.

Submissions (5):

Myriad Genetics, Inc.
Classification: Benign for Neurofibromatosis, type 1. Last evaluated: 2026-05-20. Review status: criteria provided, single submitter. Criteria: Myriad Autosomal Dominant, Autosomal Recessive and X-Linked Classification Criteria (2023). Collection method: clinical testing. Allele origin: unknown.
Comment: This variant is considered benign. This variant is a silent/synonymous amino acid change and it is not expected to impact splicing.

Labcorp Genetics (formerly Invitae), Labcorp
Classification: Likely benign for Neurofibromatosis, type 1. Last evaluated: 2025-12-13. Review status: criteria provided, single submitter. Criteria: Invitae Variant Classification Sherloc (09022015). Collection method: clinical testing. Allele origin: germline.

Genome-Nilou Lab
Classification: Likely benign for Neurofibromatosis, type 1. Last evaluated: 2022-03-15. Review status: criteria provided, single submitter. Criteria: ACMG Guidelines, 2015. Collection method: clinical testing. Allele origin: germline. Affected: no.

Ambry Genetics
Classification: Likely benign for Hereditary cancer-predisposing syndrome. Last evaluated: 2014-08-18. Review status: criteria provided, single submitter. Criteria: Ambry Autosomal Dominant and X-Linked criteria (10/2015). Collection method: clinical testing. Allele origin: germline. Observed: 1 variant allele.

PreventionGenetics, part of Exact Sciences
Classification: Likely benign for NF1-related condition. Last evaluated: 2020-09-28. Review status: no assertion criteria provided. Collection method: clinical testing. Allele origin: germline. Not counted in ClinVar's aggregate classification.
Comment: This variant is classified as likely benign based on ACMG/AMP sequence variant interpretation guidelines (Richards et al. 2015 PMID: 25741868, with internal and published modifications).

NM_001042492.3(NF1):c.5508C>T (p.Pro1836=)

Gene: NF1 (neurofibromin 1; plus strand). Cytogenetic location: 17q11.2.
Variant type: single nucleotide variant.
Coding change: c.5508C>T on transcript NM_001042492.3 (MANE Select); coding-DNA position 5508, C replaced by T.
Protein change: p.Pro1836=; no amino-acid change (proline 1836 retained).
Molecular consequence: synonymous variant.
Genome position (GRCh38, 1-based): chr17:31,327,738, C>T. VCF-style: chr17-31327738-C-T. GRCh37 (hg19) VCF-style: chr17-29654756-C-T.
Other names: c.5445C>T, p.Pro1815= (NM_000267.4).
Identifiers: ClinVar variation 185914 (VCV000185914.16), dbSNP rs786202557, ClinGen allele CA193352.
Genomic context (GRCh38, chr17:31,327,738, plus strand): 5'-GTGTGAAGCCATTGTCCAGTCTATCATTCATATCCGGACCCGCTGGGAACTGTCACAGCC[C>T]GACTCTATCCCCCAACACACCAAGATTCGGCCAAAAGATGTCCCTGGGACACTGCTCAAT-3'
Protein context (NP_001035957.1, residues 1826-1846): HIRTRWELSQ[Pro1836=]DSIPQHTKIR